The following is an entry in ClinVar:

NM_153006.3(NAGS):c.115G>A (p.Ala39Thr)

Gene: NAGS (N-acetylglutamate synthase; plus strand). Cytogenetic location: 17q21.31.
Variant type: single nucleotide variant.
Coding change: c.115G>A on transcript NM_153006.3 (MANE Select); coding-DNA position 115, G replaced by A.
Protein change: p.Ala39Thr; replaces alanine 39 with threonine.
Molecular consequence: missense variant.
Genome position (GRCh38, 1-based): chr17:44,004,778, G>A. VCF-style: chr17-44004778-G-A. GRCh37 (hg19) VCF-style: chr17-42082146-G-A.
Other names: c.115G>A (NM_153006.2); short protein forms A39T.
Identifiers: ClinVar variation 2078418 (VCV002078418.2), dbSNP rs548160598, ClinGen allele CA8595099.
Genomic context (GRCh38, chr17:44,004,778, plus strand): 5'-CTGAGAGGCCGGGGAGGCACTGGGGGCGCCCGAAGGCTGAGCTGTGGCGCGCGGCGGCGG[G>A]CGGCGAGGGGCACCAGCCCGGGGCGCCGGCTCAGCACCGCCTGGTCGCAGCCCCAGCCCC-3'
Protein context (NP_694551.1, residues 29-49): RRLSCGARRR[Ala39Thr]ARGTSPGRRL

ClinVar aggregate classification (germline): Uncertain significance. Review status: criteria provided, multiple submitters, no conflicts (2 of 4 stars). 2 submissions from 2 submitters: Uncertain significance (2). Last evaluated 2025-08-07.

Conditions:
Inborn genetic diseases. Identifiers: MedGen C0950123, MeSH D030342.
Hyperammonemia, type III (NAGSD). Also called: Hyperammonemia due to N-acetylglutamate synthase deficiency. Identifiers: Orphanet 927, MedGen C0268543, MONDO:0009377, OMIM 237310.

Allele frequency attached by ClinVar (database versions not stated): gnomAD exomes 0.00001; ExAC 0.00004; gnomAD 0.00006; TOPMed 0.00011; 1000 Genomes Project 0.00040; 1000 Genomes Project 30x 0.00047.

Submissions (2):

Ambry Genetics
Classification: Uncertain significance for Inborn genetic diseases. Last evaluated: 2025-08-07. Review status: criteria provided, single submitter. Criteria: Ambry Variant Classification Scheme 2023. Collection method: clinical testing. Allele origin: germline.

Labcorp Genetics (formerly Invitae), Labcorp
Classification: Uncertain significance for Hyperammonemia, type III. Last evaluated: 2022-08-08. Review status: criteria provided, single submitter. Criteria: Invitae Variant Classification Sherloc (09022015). Collection method: clinical testing. Allele origin: germline.
Comment: This sequence change replaces alanine, which is neutral and non-polar, with threonine, which is neutral and polar, at codon 39 of the NAGS protein (p.Ala39Thr). The frequency data for this variant in the population databases is considered unreliable, as metrics indicate poor data quality at this position in the gnomAD database. This variant has not been reported in the literature in individuals affected with NAGS-related conditions. Algorithms developed to predict the effect of missense changes on protein structure and function output the following: SIFT: "Tolerated"; PolyPhen-2: "Benign"; Align-GVGD: "Class C0". The threonine amino acid residue is found in multiple mammalian species, which suggests that this missense change does not adversely affect protein function. In summary, the available evidence is currently insufficient to determine the role of this variant in disease. Therefore, it has been classified as a Variant of Uncertain Significance.